The following is an entry in ClinVar:

ClinVar aggregate classification (germline): Pathogenic. Review status: reviewed by expert panel (3 of 4 stars). 21 submissions from 21 submitters: Pathogenic (1). 20 of the submissions do not count toward it. Last evaluated 2021-03-26.

Conditions:
Inborn genetic diseases. Identifiers: MedGen C0950123, MeSH D030342.
Angelman syndrome (AS). Also called: HAPPY PUPPET SYNDROME. Identifiers: Orphanet 72, MedGen C0162635, MONDO:0007113, OMIM 105830. Disease mechanism: loss of function. Inheritance: AS is caused by disruption of maternally imprinted UBE3A located within the 15q11.2-q13 Angelman syndrome/Prader-Willi syndrome (AS/PWS) region., imprinting disorder.
Intellectual disability. Also called: Intellectual functioning disability; intellectual disabilities; Intellectual developmental disorder. Identifiers: MedGen C3714756, MeSH D008607, MONDO:0001071, HP:0001249.

Submissions 1 to 11 of 21:

ClinGen Rett and Angelman-like Disorders Variant Curation Expert Panel
Classification: Pathogenic for Angelman syndrome. Last evaluated: 2021-03-26. Review status: reviewed by expert panel. Criteria: ClinGen RettAS ACMG Specifications V1. Collection method: curation. Allele origin: germline. Inheritance: Autosomal dominant inheritance.
Comment: The p.Lys836Argfs variant in UBE3A is predicted to cause a premature stop codon that leads to a truncated protein in a gene where loss-of-function is an established mechanism. There is significant evidence that loss of this region of the gene is pathogenic (PVS1). This variant has been reported as a de novo occurrence (biological parentage unconfirmed) in an individual with Angelman syndrome (PMID 9887341) (PM6). This variant has been observed in at least 4 other individuals with Angelman syndrome (PMID 9887341, 25212744, ClinVar) (PS4). The p.Lys836Argfs variant in UBE3A is absent from gnomAD (PM2_supporting). In summary, the p.Lys836Argfs variant in UBE3A is classified as Pathogenic for Angelman syndrome based on the ACMG/AMP criteria (PVS1, PS4, PM6, PM2_supporting).

3billion
Classification: Pathogenic for Angelman syndrome. Last evaluated: 2025-12-15. Review status: criteria provided, single submitter. Criteria: ACMG Guidelines, 2015. Collection method: clinical testing. Allele origin: germline. Affected: yes. Not counted in ClinVar's aggregate classification.
Comment: The variant is not observed in the gnomAD v4.1.0 dataset. Predicted Consequence/Location: Frameshift: predicted to result in a loss or disruption of normal protein function through protein truncation. Multiple pathogenic variants are reported in the predicted truncated region and a dominant negative effect has been reported near truncated region. The variant has been observed in multiple (>3) similarly affected unrelated individuals (PMID: 25212744, 9887341). The variant has been previously reported as assumed (i.e. paternity and maternity not confirmed) de novo in at least one similarly affected unrelated individual (PMID: 9887341). The variant has been reported multiple times as an established pathogenic variant (ClinVar ID: VCV000160220 /PMID: 9887341). Therefore, this variant is classified as Pathogenic according to the recommendation of ACMG/AMP guideline.

Labcorp Genetics (formerly Invitae), Labcorp
Classification: Pathogenic for Angelman syndrome. Last evaluated: 2024-11-11. Review status: criteria provided, single submitter. Criteria: Invitae Variant Classification Sherloc (09022015). Collection method: clinical testing. Allele origin: germline. Not counted in ClinVar's aggregate classification.
Comment: This sequence change creates a premature translational stop signal (p.Lys836Argfs*4) in the UBE3A gene. While this is not anticipated to result in nonsense mediated decay, it is expected to disrupt the last 17 amino acid(s) of the UBE3A protein. This variant is not present in population databases (gnomAD no frequency). This premature translational stop signal has been observed in individual(s) with Angelman syndrome (PMID: 9887341, 19213023). In at least one individual the variant was observed to be de novo. This variant is also known as c.3093del4. ClinVar contains an entry for this variant (Variation ID: 160220). For these reasons, this variant has been classified as Pathogenic.

Victorian Clinical Genetics Services, Murdoch Childrens Research Institute
Classification: Pathogenic for Angelman syndrome. Last evaluated: 2024-10-08. Review status: criteria provided, single submitter. Criteria: ACMG Guidelines, 2015. Collection method: clinical testing. Allele origin: germline. Inheritance: Autosomal dominant inheritance. Affected: yes. Not counted in ClinVar's aggregate classification.
Comment: Based on the classification scheme VCGS_Germline_v1.3.4, this variant is classified as Pathogenic. Following criteria are met: 0102 - Loss of function on the maternal allele is a known mechanism of disease in this gene and is associated with Angelman syndrome (MIM#105830). (I) 0107 - This gene is associated with autosomal dominant disease. (I) 0113 - This gene is known to be imprinted, which results in the silencing of the paternal allele (PMID: 20301323). (I) 0205 - Variant is predicted to result in a truncated protein (premature termination codon is NOT located at least 54 nucleotides upstream of the final exon-exon junction) with less than 1/3 of the protein sequence affected. (SP) 0251 - This variant is heterozygous. (I) 0301 - Variant is absent from gnomAD (both v2 and v3). (SP) 0600 - Variant is located in the annotated HECT ubiquitin-transferase domain (DECIPHER). (I) 0702 - Other truncating variants comparable to the one identified in this case have strong previous evidence for pathogenicity. There are multiple downstream truncating variants reported as pathogenic (ClinVar). (SP) 0801 - This variant has strong previous evidence of pathogenicity in unrelated individuals. This variant has been classified as pathogenic in ClinVar by the ClinGen variant curation expert panel for Rett and Angelman-like disorders. (SP) Legend: (SP) - Supporting pathogenic, (I) - Information, (SB) - Supporting benign

Dubai Health Genomic Medicine Center, Dubai Health
Classification: Pathogenic for Angelman syndrome. Last evaluated: 2024-10-04. Review status: criteria provided, single submitter. Criteria: ACMG Guidelines, 2015. Collection method: research. Allele origin: germline. Affected: yes. Not counted in ClinVar's aggregate classification.
Comment: PVS1,PS4,PM2

Genomic Medicine Center of Excellence, King Faisal Specialist Hospital and Research Centre
Classification: Uncertain significance for Angelman syndrome. Last evaluated: 2024-04-04. Review status: criteria provided, single submitter. Criteria: ACMG Guidelines, 2015. Collection method: clinical testing. Allele origin: germline. Not counted in ClinVar's aggregate classification.

Ambry Genetics
Classification: Pathogenic for Inborn genetic diseases. Last evaluated: 2022-07-18. Review status: criteria provided, single submitter. Criteria: Ambry Variant Classification Scheme 2023. Collection method: clinical testing. Allele origin: germline. Not counted in ClinVar's aggregate classification.
Comment: The c.2507_2510delAAGA (p.K836Rfs*4) alteration, located in exon 10 (coding exon 10) of the UBE3A gene, consists of a deletion of 4 nucleotides from position 2507 to 2510, causing a translational frameshift with a predicted alternate stop codon after 4 amino acids. This alteration occurs at the 3' terminus of the UBE3A gene, is not expected to trigger nonsense-mediated mRNA decay, and only impacts the last 26 amino acids of the protein. However, premature stop codons are typically deleterious in nature and the impacted region is critical for protein function (Ambry internal data). This variant was not reported in population-based cohorts in the Genome Aggregation Database (gnomAD). This alteration (also designated as 3093del4 and 3093delAAGA) has been reported as a de novo mutation in multiple patients meeting clinical criteria for Angelman syndrome (Fang, 1999; Rapakko, 2004; Hitchins, 2004; Camprub&iacute;, 2009; Tzagkaraki, 2013; Sadikovic, 2014; Xiong, 2019). Based on the available evidence, this alteration is classified as pathogenic.

GeneDx
Classification: Pathogenic. Last evaluated: 2022-04-22. Review status: criteria provided, single submitter. Criteria: GeneDx Variant Classification Process June 2021. Collection method: clinical testing. Allele origin: germline. Affected: yes. Not counted in ClinVar's aggregate classification.
Comment: Frameshift variant in the C-terminus predicted to result in protein truncation, as the last 17 amino acids are lost and replaced with 3 incorrect amino acids (HGMD); Not observed in large population cohorts (gnomAD); This variant is associated with the following publications: (PMID: 9887341, 25212744, 19213023, 31031587, 27535533)

Greenwood Genetic Center Diagnostic Laboratories, Greenwood Genetic Center
Classification: Pathogenic for Angelman syndrome. Last evaluated: 2021-11-29. Review status: criteria provided, single submitter. Criteria: ACMG Guidelines, 2015. Collection method: clinical testing. Allele origin: germline. Affected: yes. Not counted in ClinVar's aggregate classification.
Comment: PVS1, PS2, PS4, PM2

Department of Genetics, Rouen University Hospital, Normandy Center for Genomic and Personalized Medicine
Classification: Pathogenic for Angelman syndrome. Last evaluated: 2021-02-18. Review status: criteria provided, single submitter. Criteria: ACMG Guidelines, 2015. Collection method: clinical testing. Allele origin: de novo. Affected: yes. Not counted in ClinVar's aggregate classification.

Diagnostic Laboratory, Strasbourg University Hospital
Classification: Pathogenic for Intellectual disability. Last evaluated: 2020-09-10. Review status: criteria provided, single submitter. Criteria: ACMG Guidelines, 2015. Collection method: clinical testing. Allele origin: de novo. Affected: yes. Observed: 1 heterozygote. Not counted in ClinVar's aggregate classification.

NM_130839.5(UBE3A):c.2567_2570del (p.Lys856fs)

Genes: SNHG14 (small nucleolar RNA host gene 14; plus strand), UBE3A (ubiquitin protein ligase E3A; minus strand). Cytogenetic location: 15q11.2.
Variant type: Deletion.
Coding change: c.2567_2570del on transcript NM_130839.5 (MANE Select); coding-DNA positions 2567 to 2570, 4 bases deleted (AAGA; older notation c.2567_2570delAAGA).
Protein change: p.Lys856fs; shifts the reading frame from lysine 856.
Molecular consequence: frameshift variant. On other transcripts: non-coding transcript variant (1).
Genome position (GRCh38, 1-based): chr15:25,339,186-25,339,189, TCTT deleted on the plus strand (AAGA on the coding strand, the reverse complement: UBE3A is on the minus strand); deleting any 4 consecutive bases within chr15:25,339,186-25,339,190 gives the same sequence; the c. name uses the placement nearest the transcript's 3' end. VCF-style (leftmost placement, unchanged base first): chr15-25339185-CTCTT-C. GRCh37 (hg19) VCF-style: chr15-25584332-CTCTT-C.
Other names: c.2567_2570delAAGA (NM_130839.3); c.2567_2570del, p.Lys856fs (NM_001354538.2, NM_001354505.1); c.2507_2510del, p.Lys836fs (NM_001354539.2, NM_001354540.2, NM_001354541.2 and 14 more transcripts); c.2411_2414del, p.Lys804fs (NM_001354545.2); c.2390_2393del, p.Lys797fs (NM_001354546.2); c.2351_2354del, p.Lys784fs (NM_001354547.2, NM_001354548.2); c.2342_2345del, p.Lys781fs (NM_001354549.2); c.1316_1319del, p.Lys439fs (NM_001354550.2); and 4 more; short protein forms K859fs, K419fs, K439fs, K781fs, K797fs, K784fs, K804fs, K836fs.
Identifiers: ClinVar variation 160220 (VCV000160220.82), dbSNP rs587784527, ClinGen allele CA333552.